The following is an entry in ClinVar:

ClinVar aggregate classification (germline): Uncertain significance (1 of 4 stars; one submission).

Conditions:
Inborn genetic diseases. Identifiers: MedGen C0950123, MeSH D030342.

Submission:

Ambry Genetics
Classification: Uncertain significance for Inborn genetic diseases. Last evaluated: 2024-04-19. Review status: criteria provided, single submitter. Criteria: Ambry Variant Classification Scheme 2023. Collection method: clinical testing. Allele origin: germline.
Comment: The p.H562N variant (also known as c.1684C>A), located in coding exon 12 of the EPAS1 gene, results from a C to A substitution at nucleotide position 1684. The histidine at codon 562 is replaced by asparagine, an amino acid with similar properties. This amino acid position is conserved. In addition, this alteration is predicted to be tolerated by in silico analysis. Based on the available evidence, the clinical significance of this variant remains unclear.

NM_001430.5(EPAS1):c.1684C>A (p.His562Asn)

Gene: EPAS1 (endothelial PAS domain protein 1; plus strand). Cytogenetic location: 2p21.
Variant type: single nucleotide variant.
Coding change: c.1684C>A on transcript NM_001430.5 (MANE Select); coding-DNA position 1684, C replaced by A.
Protein change: p.His562Asn; replaces histidine 562 with asparagine.
Molecular consequence: missense variant.
Genome position (GRCh38, 1-based): chr2:46,380,356, C>A. VCF-style: chr2-46380356-C-A. GRCh37 (hg19) VCF-style: chr2-46607495-C-A.
Other names: short protein forms H562N.
Identifiers: ClinVar variation 3275700 (VCV003275700.1).